The following is an entry in ClinVar:

NM_001172509.2(SATB2):c.2164A>C (p.Lys722Gln)

Genes: SATB2 (SATB homeobox 2; minus strand), LOC126806462 (MED14-independent group 3 enhancer GRCh37_chr2:200136608-200137807; plus strand). Cytogenetic location: 2q33.1.
Variant type: single nucleotide variant.
Coding change: c.2164A>C on transcript NM_001172509.2 (MANE Select); coding-DNA position 2164, A replaced by C.
Protein change: p.Lys722Gln; replaces lysine 722 with glutamine.
Molecular consequence: missense variant.
Genome position (GRCh38, 1-based): chr2:199,272,249, T>G on the plus strand (A>C on the coding strand, the complement: SATB2 is on the minus strand). VCF-style: chr2-199272249-T-G. GRCh37 (hg19) VCF-style: chr2-200136972-T-G.
Other names: c.2164A>C, p.Lys722Gln (NM_001172517.1, NM_015265.4); short protein forms K722Q.
Identifiers: ClinVar variation 1517098 (VCV001517098.8), dbSNP rs2105706499, ClinGen allele CA350384928.

ClinVar aggregate classification (germline): Uncertain significance (1 of 4 stars; one submission).

Conditions:
Chromosome 2q32-q33 deletion syndrome (GLASS). Also called: Glass syndrome; 2q33.1 deletion syndrome. Identifiers: Orphanet 251019, MedGen C2676739, MONDO:0012864, OMIM 612313.

Submission:

Labcorp Genetics (formerly Invitae), Labcorp
Classification: Uncertain significance for Chromosome 2q32-q33 deletion syndrome. Last evaluated: 2022-09-01. Review status: criteria provided, single submitter. Criteria: Invitae Variant Classification Sherloc (09022015). Collection method: clinical testing. Allele origin: germline.
Comment: In summary, the available evidence is currently insufficient to determine the role of this variant in disease. Therefore, it has been classified as a Variant of Uncertain Significance. Advanced modeling of protein sequence and biophysical properties (such as structural, functional, and spatial information, amino acid conservation, physicochemical variation, residue mobility, and thermodynamic stability) performed at Invitae indicates that this missense variant is not expected to disrupt SATB2 protein function. ClinVar contains an entry for this variant (Variation ID: 1517098). This variant has not been reported in the literature in individuals affected with SATB2-related conditions. This variant is not present in population databases (gnomAD no frequency). This sequence change replaces lysine, which is basic and polar, with glutamine, which is neutral and polar, at codon 722 of the SATB2 protein (p.Lys722Gln).